The following is an entry in ClinVar:

ClinVar aggregate classification (germline): Uncertain significance (1 of 4 stars; one submission).

Submission:

GeneDx
Classification: Uncertain significance. Last evaluated: 2021-04-08. Review status: criteria provided, single submitter. Criteria: GeneDx Variant Classification Process June 2021. Collection method: clinical testing. Allele origin: germline. Affected: yes.
Comment: Not observed in large population cohorts (Lek et al., 2016); In silico analysis supports that this missense variant does not alter protein structure/function; In-silico analysis, which includes splice predictors and evolutionary conservation, is inconclusive as to whether the variant alters gene splicing. In the absence of RNA/functional studies, the actual effect of this sequence change is unknown.; Has not been previously published as pathogenic or benign to our knowledge

NM_001393769.1(MED12L):c.4598G>A (p.Ser1533Asn)

Genes: MED12L (mediator complex subunit 12L; plus strand), P2RY12 (purinergic receptor P2Y12; minus strand). Cytogenetic location: 3q25.1.
Variant type: single nucleotide variant.
Coding change: c.4598G>A on transcript NM_001393769.1 (MANE Select); coding-DNA position 4598, G replaced by A.
Protein change: p.Ser1533Asn; replaces serine 1533 with asparagine.
Molecular consequence: missense variant. On other transcripts: intron variant (1).
Genome position (GRCh38, 1-based): chr3:151,382,663, G>A. VCF-style: chr3-151382663-G-A. GRCh37 (hg19) VCF-style: chr3-151100451-G-A.
Other names: c.4493G>A, p.Ser1498Asn (NM_053002.6); c.-180+2029C>T (NM_022788.5); short protein forms S1498N, S1533N.
Identifiers: ClinVar variation 1318506 (VCV001318506.2), dbSNP rs2108142137, ClinGen allele CA354973667.